The following is an entry in ClinVar:

ClinVar aggregate classification (germline): Likely benign. Review status: criteria provided, multiple submitters, no conflicts (2 of 4 stars). 3 submissions from 3 submitters: Likely benign (3). Last evaluated 2025-12-01.

Conditions:
Cardiovascular phenotype. Identifiers: MedGen CN230736.
Autosomal recessive limb-girdle muscular dystrophy type 2J (LGMDR10). Also called: Limb-girdle muscular dystrophy, type 2J; MUSCULAR DYSTROPHY, LIMB-GIRDLE, AUTOSOMAL RECESSIVE 10. Identifiers: Orphanet 140922, MedGen C1837342, MONDO:0012127, OMIM 608807.
Dilated cardiomyopathy 1G (CMD1G). Identifiers: Orphanet 154, MedGen C1858763, MONDO:0011400, OMIM 604145.

Allele frequency attached by ClinVar (database versions not stated): gnomAD exomes below 0.00001 and 0.00001; TOPMed below 0.00001.

Submissions (3):

CeGaT Center for Human Genetics Tuebingen
Classification: Likely benign. Last evaluated: 2025-12-01. Review status: criteria provided, single submitter. Criteria: CeGaT Center For Human Genetics Tuebingen Variant Classification Criteria Version 2. Collection method: clinical testing. Allele origin: germline. Affected: yes. Observed: 2 variant alleles.
Comment: TTN: BP4, BP7

Labcorp Genetics (formerly Invitae), Labcorp
Classification: Likely benign for Dilated cardiomyopathy 1G; Autosomal recessive limb-girdle muscular dystrophy type 2J. Last evaluated: 2024-08-31. Review status: criteria provided, single submitter. Criteria: Invitae Variant Classification Sherloc (09022015). Collection method: clinical testing. Allele origin: germline.

Ambry Genetics
Classification: Likely benign for Cardiovascular phenotype. Last evaluated: 2023-04-28. Review status: criteria provided, single submitter. Criteria: Ambry Variant Classification Scheme 2023. Collection method: clinical testing. Allele origin: germline.

NM_001267550.2(TTN):c.57927G>A (p.Lys19309=)

Genes: TTN (titin; minus strand), TTN-AS1 (TTN antisense RNA 1; plus strand). Cytogenetic location: 2q31.2.
Variant type: single nucleotide variant.
Coding change: c.57927G>A on transcript NM_001267550.2 (MANE Select); coding-DNA position 57927, G replaced by A.
Protein change: p.Lys19309=; no amino-acid change (lysine 19309 retained).
Molecular consequence: synonymous variant.
Genome position (GRCh38, 1-based): chr2:178,594,567, C>T on the plus strand (G>A on the coding strand, the complement: TTN is on the minus strand). VCF-style: chr2-178594567-C-T. GRCh37 (hg19) VCF-style: chr2-179459294-C-T.
Other names: c.53004G>A, p.Lys17668= (NM_001256850.1); c.30732G>A, p.Lys10244= (NM_003319.4); c.50223G>A, p.Lys16741= (NM_133378.4); c.31107G>A, p.Lys10369= (NM_133432.3); c.31308G>A, p.Lys10436= (NM_133437.4).
Identifiers: ClinVar variation 1582088 (VCV001582088.16), dbSNP rs796247929, ClinGen allele CA60972269.